The following is an entry in ClinVar:

ClinVar aggregate classification (germline): Uncertain significance (1 of 4 stars; one submission).

Conditions:
Developmental and epileptic encephalopathy, 23 (DEE23). Also called: Epileptic encephalopathy, early infantile, 23. Identifiers: Orphanet 411986, MedGen C4014492, MONDO:0014371, OMIM 615859.

Allele frequency attached by ClinVar (database versions not stated): gnomAD exomes below 0.00001.
gnomAD v4.1: 2 of 1,613,242 alleles (0.00012%); highest among the groups gnomAD compares: Non-Finnish European, 0.00017%; no homozygotes.

Submission:

Labcorp Genetics (formerly Invitae), Labcorp
Classification: Uncertain significance for Developmental and epileptic encephalopathy, 23. Last evaluated: 2022-02-20. Review status: criteria provided, single submitter. Criteria: Invitae Variant Classification Sherloc (09022015). Collection method: clinical testing. Allele origin: germline.
Comment: In summary, the available evidence is currently insufficient to determine the role of this variant in disease. Therefore, it has been classified as a Variant of Uncertain Significance. Algorithms developed to predict the effect of missense changes on protein structure and function (SIFT, PolyPhen-2, Align-GVGD) all suggest that this variant is likely to be tolerated. This variant has not been reported in the literature in individuals affected with DOCK7-related conditions. This variant is present in population databases (no rsID available, gnomAD 0.0009%). This sequence change replaces asparagine, which is neutral and polar, with aspartic acid, which is acidic and polar, at codon 557 of the DOCK7 protein (p.Asn557Asp).

NM_001367561.1(DOCK7):c.1669A>G (p.Asn557Asp)

Gene: DOCK7 (dedicator of cytokinesis 7; minus strand). Cytogenetic location: 1p31.3.
Variant type: single nucleotide variant.
Coding change: c.1669A>G on transcript NM_001367561.1 (MANE Select); coding-DNA position 1669, A replaced by G.
Protein change: p.Asn557Asp; replaces asparagine 557 with aspartic acid.
Molecular consequence: missense variant.
Genome position (GRCh38, 1-based): chr1:62,618,719, T>C on the plus strand (A>G on the coding strand, the complement: DOCK7 is on the minus strand). VCF-style: chr1-62618719-T-C. GRCh37 (hg19) VCF-style: chr1-63084390-T-C.
Other names: c.1669A>G, p.Asn557Asp (NM_001271999.2, NM_001272000.2, NM_001272001.2 and 3 more transcripts); short protein forms N557D.
Identifiers: ClinVar variation 2162629 (VCV002162629.4), dbSNP rs1261585941, ClinGen allele CA340612166.